The following is an entry in ClinVar:

ClinVar aggregate classification (germline): Uncertain significance (1 of 4 stars; one submission).

Submission:

GeneDx
Classification: Uncertain significance. Last evaluated: 2022-09-22. Review status: criteria provided, single submitter. Criteria: GeneDx Variant Classification Process June 2021. Collection method: clinical testing. Allele origin: germline. Affected: yes.
Comment: Not observed at significant frequency in large population cohorts (gnomAD); In silico analysis supports that this missense variant does not alter protein structure/function; Has not been previously published as pathogenic or benign to our knowledge

NM_001170535.3(ATAD3A):c.125C>T (p.Ala42Val)

Gene: ATAD3A (ATPase family AAA domain containing 3A; plus strand). Cytogenetic location: 1p36.33.
Variant type: single nucleotide variant.
Coding change: c.125C>T on transcript NM_001170535.3 (MANE Select); coding-DNA position 125, C replaced by T.
Protein change: p.Ala42Val; replaces alanine 42 with valine.
Molecular consequence: missense variant.
Genome position (GRCh38, 1-based): chr1:1,512,393, C>T. VCF-style: chr1-1512393-C-T. GRCh37 (hg19) VCF-style: chr1-1447773-C-T.
Other names: c.125C>T, p.Ala42Val (NM_018188.5); short protein forms A42V.
Identifiers: ClinVar variation 2446095 (VCV002446095.1), dbSNP rs1413413846, ClinGen allele CA337846244.